The following is an entry in ClinVar:

ClinVar aggregate classification (germline): Uncertain significance (1 of 4 stars; one submission).

Submission:

Biesecker Lab/Clinical Genomics Section, National Institutes of Health
Classification: Uncertain significance. Last evaluated: 2013-06-24. Review status: criteria provided, single submitter. Criteria: Ng et al. (Circ Cardiovasc Genet. 2013). Collection method: research. Allele origin: unknown. Observed: 1 variant allele. Study: ClinSeq.
Comment: The study set was not selected for affection status in relation to any cancer. Pathogenicity categories were based on literature curation. See Pubmed ID:23861362 for details.

Medical sequencing

NM_001032283.3(TMPO):c.565+2439A>G

Gene: TMPO (thymopoietin; plus strand). Cytogenetic location: 12q23.1.
Variant type: single nucleotide variant.
Coding change: c.565+2439A>G on transcript NM_001032283.3 (MANE Select); 2439 bases into the intron after coding-DNA position 565, A replaced by G.
Molecular consequence: intron variant. On other transcripts: missense variant (1).
Genome position (GRCh38, 1-based): chr12:98,534,277, A>G. VCF-style: chr12-98534277-A-G. GRCh37 (hg19) VCF-style: chr12-98928055-A-G.
Other names: c.2020A>G, p.Lys674Glu (NM_003276.2); c.565+2439A>G (NM_001307975.2, NM_001032284.3); short protein forms K674E.
Identifiers: ClinVar variation 191794 (VCV000191794.1), dbSNP rs200419485, ClinGen allele CA237568.